The following is an entry in ClinVar:

NM_000424.4(KRT5):c.1421T>C (p.Leu474Pro)

Genes: KRT5 (keratin 5; minus strand), LOC126861525 (BRD4-independent group 4 enhancer GRCh37_chr12:52909857-52911056; plus strand). Cytogenetic location: 12q13.13.
Variant type: single nucleotide variant.
Coding change: c.1421T>C on transcript NM_000424.4 (MANE Select); coding-DNA position 1421, T replaced by C.
Protein change: p.Leu474Pro; replaces leucine 474 with proline.
Molecular consequence: missense variant.
Genome position (GRCh38, 1-based): chr12:52,516,655, A>G on the plus strand (T>C on the coding strand, the complement: KRT5 is on the minus strand). VCF-style: chr12-52516655-A-G. GRCh37 (hg19) VCF-style: chr12-52910439-A-G.
Other names: short protein forms L474P.
Identifiers: ClinVar variation 1468538 (VCV001468538.6), dbSNP rs2120475116, ClinGen allele CA384923454.

ClinVar aggregate classification (germline): Uncertain significance (1 of 4 stars; one submission).

Submission:

Labcorp Genetics (formerly Invitae), Labcorp
Classification: Uncertain significance. Last evaluated: 2022-01-07. Review status: criteria provided, single submitter. Criteria: Invitae Variant Classification Sherloc (09022015). Collection method: clinical testing. Allele origin: germline.
Comment: In summary, the available evidence is currently insufficient to determine the role of this variant in disease. Therefore, it has been classified as a Variant of Uncertain Significance. Advanced modeling of protein sequence and biophysical properties (such as structural, functional, and spatial information, amino acid conservation, physicochemical variation, residue mobility, and thermodynamic stability) performed at Invitae indicates that this missense variant is expected to disrupt KRT5 protein function. This variant has not been reported in the literature in individuals affected with KRT5-related conditions. This variant is not present in population databases (gnomAD no frequency). This sequence change replaces leucine, which is neutral and non-polar, with proline, which is neutral and non-polar, at codon 474 of the KRT5 protein (p.Leu474Pro).